The following is an entry in ClinVar:

NM_000204.5(CFI):c.*112C>T

Gene: CFI (complement factor I; minus strand). Cytogenetic location: 4q25.
Variant type: single nucleotide variant.
Coding change: c.*112C>T on transcript NM_000204.5 (MANE Select); 112 bases downstream of the stop codon, C replaced by T.
Molecular consequence: 3 prime UTR variant. On other transcripts: non-coding transcript variant (3), intron variant (5).
Genome position (GRCh38, 1-based): chr4:109,740,781, G>A on the plus strand (C>T on the coding strand, the complement: CFI is on the minus strand). VCF-style: chr4-109740781-G-A. GRCh37 (hg19) VCF-style: chr4-110661937-G-A.
Other names: c.*112C>T (NM_001318057.2, NM_001331035.2, NM_001375283.1 and 1 more transcripts); c.1513+1710C>T (NM_001375282.1, NM_001375280.1); c.1534+1710C>T (NM_001375281.1, NM_001375279.1); c.1558+1710C>T (NM_001375278.1).
Identifiers: ClinVar variation 347143 (VCV000347143.12), dbSNP rs551, ClinGen allele CA3041809.

ClinVar aggregate classification (germline): Benign. Review status: criteria provided, multiple submitters, no conflicts (2 of 4 stars). 4 submissions from 4 submitters: Benign (4). Last evaluated 2021-07-22.

Conditions:
Factor I deficiency (CFID). Also called: Complement factor I deficiency. Identifiers: Orphanet 200418, MedGen C3463916, MONDO:0012594, OMIM 610984.
Atypical hemolytic-uremic syndrome with I factor anomaly. Also called: HEMOLYTIC UREMIC SYNDROME, ATYPICAL, SUSCEPTIBILITY TO, 3; AHUS, SUSCEPTIBILITY TO, 3. Identifiers: Orphanet 2134, MedGen C2752039, MONDO:0013041, OMIM 612923.

Allele frequency attached by ClinVar (database versions not stated): TOPMed 0.94686; gnomAD 0.94881 and 0.95262; 1000 Genomes Project 30x 0.95237; 1000 Genomes Project 0.95367; ExAC 0.98817; gnomAD exomes 0.98928 and 0.99486.

Submissions (4):

Genome-Nilou Lab
Classification: Benign for Factor I deficiency. Last evaluated: 2021-07-22. Review status: criteria provided, single submitter. Criteria: ACMG Guidelines, 2015. Collection method: clinical testing. Allele origin: germline. Affected: no.

GeneDx
Classification: Benign. Last evaluated: 2021-06-18. Review status: criteria provided, single submitter. Criteria: GeneDx Variant Classification Process June 2021. Collection method: clinical testing. Allele origin: germline. Affected: yes.

Illumina Laboratory Services, Illumina
Classification: Benign for Atypical hemolytic-uremic syndrome with I factor anomaly. Last evaluated: 2018-01-13. Review status: criteria provided, single submitter. Criteria: ICSL Variant Classification Criteria 13 December 2019. Collection method: clinical testing. Allele origin: germline.
Comment: This variant was observed in the ICSL laboratory as part of a predisposition screen in an ostensibly healthy population. It had not been previously curated by ICSL or reported in the Human Gene Mutation Database (HGMD: prior to June 1st, 2018), and was therefore a candidate for classification through an automated scoring system. Utilizing variant allele frequency, disease prevalence and penetrance estimates, and inheritance mode, an automated score was calculated to assess if this variant is too frequent to cause the disease. Based on the score and internal cut-off values, a variant classified as benign is not then subjected to further curation. The score for this variant resulted in a classification of benign for this disease.

Breakthrough Genomics
Classification: Benign. Review status: criteria provided, single submitter. Criteria: ACMG Guidelines, 2015. Collection method: not provided. Allele origin: germline. Inheritance: Autosomal recessive inheritance. Affected: yes.